The following is an entry in ClinVar:

NM_015047.3(EMC1):c.2225C>T (p.Ala742Val)

Genes: EMC1 (ER membrane protein complex subunit 1; minus strand), EMC1-AS1 (EMC1 antisense RNA 1; plus strand). Cytogenetic location: 1p36.13.
Variant type: single nucleotide variant.
Coding change: c.2225C>T on transcript NM_015047.3 (MANE Select); coding-DNA position 2225, C replaced by T.
Protein change: p.Ala742Val; replaces alanine 742 with valine.
Molecular consequence: missense variant.
Genome position (GRCh38, 1-based): chr1:19,223,547, G>A on the plus strand (C>T on the coding strand, the complement: EMC1 is on the minus strand). VCF-style: chr1-19223547-G-A. GRCh37 (hg19) VCF-style: chr1-19550041-G-A.
Other names: c.2222C>T, p.Ala741Val (NM_001271427.2, NM_001271428.2); c.2159C>T, p.Ala720Val (NM_001271429.2); c.2234C>T, p.Ala745Val (NM_001375820.1); c.2231C>T, p.Ala744Val (NM_001375821.1); short protein forms A720V, A745V, A741V, A742V, A744V.
Identifiers: ClinVar variation 4722667 (VCV004722667.1).
Genomic context (GRCh38, chr1:19,223,547, plus strand): 5'-ATGAGGAAGATGCCAATAAAGGTGCGCTCATGGTGCGCGTCTGTGCTCTCTGTCACCACG[G>A]CCAGCAGGTTGGGGTTCAGGCTCTGGAGAGAGAGAGAAAACCTCCCTTAGAACCACGACG-3'
Protein context (NP_055862.1, residues 732-752): LYKSLNPNLL[Ala742Val]VVTESTDAHH

ClinVar aggregate classification (germline): Uncertain significance (1 of 4 stars; one submission).

Submission:

Labcorp Genetics (formerly Invitae), Labcorp
Classification: Uncertain significance. Last evaluated: 2025-08-20. Review status: criteria provided, single submitter. Criteria: Invitae Variant Classification Sherloc (09022015). Collection method: clinical testing. Allele origin: germline.
Comment: This sequence change replaces alanine, which is neutral and non-polar, with valine, which is neutral and non-polar, at codon 742 of the EMC1 protein (p.Ala742Val). This variant is not present in population databases (gnomAD no frequency). This variant has not been reported in the literature in individuals affected with EMC1-related conditions. Invitae Evidence Modeling of protein sequence and biophysical properties (such as structural, functional, and spatial information, amino acid conservation, physicochemical variation, residue mobility, and thermodynamic stability) indicates that this missense variant is not expected to disrupt EMC1 protein function with a negative predictive value of 80%. In summary, the available evidence is currently insufficient to determine the role of this variant in disease. Therefore, it has been classified as a Variant of Uncertain Significance.